The following is an entry in ClinVar:

ClinVar aggregate classification (germline): Uncertain significance (1 of 4 stars; one submission).

Submission:

Labcorp Genetics (formerly Invitae), Labcorp
Classification: Uncertain significance. Last evaluated: 2021-06-16. Review status: criteria provided, single submitter. Criteria: Invitae Variant Classification Sherloc (09022015). Collection method: clinical testing. Allele origin: germline.
Comment: This sequence change replaces asparagine with histidine at codon 2707 of the PCLO protein (p.Asn2707His). The asparagine residue is weakly conserved and there is a small physicochemical difference between asparagine and histidine. This variant is not present in population databases (ExAC no frequency). This variant has not been reported in the literature in individuals with PCLO-related conditions. Algorithms developed to predict the effect of missense changes on protein structure and function output the following: SIFT: "Tolerated"; PolyPhen-2: "Not Available"; Align-GVGD: "Class C0". The histidine amino acid residue is found in multiple mammalian species, suggesting that this missense change does not adversely affect protein function. These predictions have not been confirmed by published functional studies and their clinical significance is uncertain. In summary, the available evidence is currently insufficient to determine the role of this variant in disease. Therefore, it has been classified as a Variant of Uncertain Significance.

NM_033026.6(PCLO):c.8119A>C (p.Asn2707His)

Gene: PCLO (piccolo presynaptic cytomatrix protein; minus strand). Cytogenetic location: 7q21.11.
Variant type: single nucleotide variant.
Coding change: c.8119A>C on transcript NM_033026.6 (MANE Select); coding-DNA position 8119, A replaced by C.
Protein change: p.Asn2707His; replaces asparagine 2707 with histidine.
Molecular consequence: missense variant.
Genome position (GRCh38, 1-based): chr7:82,952,834, T>G on the plus strand (A>C on the coding strand, the complement: PCLO is on the minus strand). VCF-style: chr7-82952834-T-G. GRCh37 (hg19) VCF-style: chr7-82582150-T-G.
Other names: c.8119A>C, p.Asn2707His (NM_014510.3); short protein forms N2707H.
Identifiers: ClinVar variation 1378798 (VCV001378798.8), dbSNP rs2116436154, ClinGen allele CA367911919.
Genomic context (GRCh38, chr7:82,952,834, plus strand): 5'-CATCACCAACAAGTTGCAATTTTCCATCTTCTTTATACTGAGGCTTCTCTAAATGTATGT[T>G]ATCTAGAGCAAGAGGCTCTGGAGGAATTGTTATGGAAATGCTGCTGAGACCAACACTAGG-3'
Protein context (NP_149015.2, residues 2697-2717): TIPPEPLALD[Asn2707His]IHLEKPQYKE